The following is an entry in ClinVar:

NM_001142864.4(PIEZO1):c.4210C>T (p.Arg1404Trp)

Gene: PIEZO1 (piezo type mechanosensitive ion channel component 1 (Er blood group); minus strand). Cytogenetic location: 16q24.3.
Variant type: single nucleotide variant.
Coding change: c.4210C>T on transcript NM_001142864.4 (MANE Select); coding-DNA position 4210, C replaced by T.
Protein change: p.Arg1404Trp; replaces arginine 1404 with tryptophan.
Molecular consequence: missense variant.
Genome position (GRCh38, 1-based): chr16:88,725,033, G>A on the plus strand (C>T on the coding strand, the complement: PIEZO1 is on the minus strand). VCF-style: chr16-88725033-G-A. GRCh37 (hg19) VCF-style: chr16-88791441-G-A.
Other names: c.2752C>T, p.Arg918Trp (NM_014745.1); c.4210C>T (NM_001142864.3); short protein forms R1404W, R918W.
Identifiers: ClinVar variation 2044923 (VCV002044923.9), dbSNP rs188966111, ClinGen allele CA8232225.

ClinVar aggregate classification (germline): Conflicting classifications of pathogenicity. Review status: criteria provided, conflicting classifications (1 of 4 stars). 5 submissions from 5 submitters: Uncertain significance (1); Benign (1); Likely benign (2). 1 of the submissions does not count toward it. Last evaluated 2025-12-01.

Conditions:
PIEZO1-related disorder. Also called: PIEZO1-Related Disorders; PIEZO1-related condition.
Inborn genetic diseases. Identifiers: MedGen C0950123, MeSH D030342.

Allele frequency attached by ClinVar (database versions not stated): gnomAD 0.00059; TOPMed 0.00074; ExAC 0.00079; 1000 Genomes Project 0.00220; 1000 Genomes Project 30x 0.00234.
gnomAD v4.1: 976 of 1,496,274 alleles (0.065%); highest among the groups gnomAD compares: East Asian, 2%; 9 homozygotes.

Submissions (5):

Labcorp Genetics (formerly Invitae), Labcorp
Classification: Benign. Last evaluated: 2025-12-01. Review status: criteria provided, single submitter. Criteria: Invitae Variant Classification Sherloc (09022015). Collection method: clinical testing. Allele origin: germline.

Blueprint Genetics
Classification: Likely benign. Last evaluated: 2024-11-08. Review status: criteria provided, single submitter. Criteria: ACMG Guidelines, 2015. Collection method: clinical testing. Allele origin: germline.

Ambry Genetics
Classification: Uncertain significance for Inborn genetic diseases. Last evaluated: 2024-01-17. Review status: criteria provided, single submitter. Criteria: Ambry Variant Classification Scheme 2023. Collection method: clinical testing. Allele origin: germline.

ARUP Laboratories, Molecular Genetics and Genomics, ARUP Laboratories
Classification: Likely benign. Last evaluated: 2023-12-21. Review status: criteria provided, single submitter. Criteria: ARUP Molecular Germline Variant Investigation Process 2024. Collection method: clinical testing. Allele origin: germline.

PreventionGenetics, part of Exact Sciences
Classification: Benign for PIEZO1-related condition. Last evaluated: 2022-01-07. Review status: no assertion criteria provided. Collection method: clinical testing. Allele origin: germline. Not counted in ClinVar's aggregate classification.
Comment: This variant is classified as benign based on ACMG/AMP sequence variant interpretation guidelines (Richards et al. 2015 PMID: 25741868, with internal and published modifications).